The following is an entry in ClinVar:

ClinVar aggregate classification (germline): Conflicting classifications of pathogenicity. Review status: criteria provided, conflicting classifications (1 of 4 stars). 6 submissions from 6 submitters: Uncertain significance (4); Likely benign (2). Last evaluated 2025-12-04.

Conditions:
Hereditary cancer-predisposing syndrome. Also called: Neoplastic Syndromes, Hereditary; Hereditary Cancer Syndrome; Hereditary neoplastic syndrome; Tumor predisposition. Identifiers: Orphanet 140162, MedGen C0027672, MeSH D009386, MONDO:0015356.
Simpson-Golabi-Behmel syndrome type 1 (SGBS1). Also called: SIMPSON DYSMORPHIA SYNDROME; BULLDOG SYNDROME; DYSPLASIA GIGANTISM SYNDROME, X-LINKED; GPC3-Related Simpson-Golabi-Behmel Syndrome Type 1; GOLABI-ROSEN SYNDROME. Identifiers: Orphanet 373, MedGen C0796154, MONDO:0020602, OMIM 312870.
Wilms tumor 1 (WT1). Also called: Wilms tumor, somatic. Identifiers: Orphanet 654, MedGen CN033288, MONDO:0008679, OMIM 194070.
Inborn genetic diseases. Identifiers: MedGen C0950123, MeSH D030342.

Allele frequency attached by ClinVar (database versions not stated): ExAC 0.00001; gnomAD 0.00001; gnomAD exomes 0.00001 and 0.00003.
gnomAD v4.1: 12 of 1,209,667 alleles (0.00099%); highest among the groups gnomAD compares: Admixed American, 0.017%; no homozygotes.

Submissions (6):

Mayo Clinic Laboratories, Mayo Clinic
Classification: Likely benign. Last evaluated: 2025-12-04. Review status: criteria provided, single submitter. Criteria: ACMG Guidelines, 2015. Collection method: clinical testing. Allele origin: germline. Observed: 1 variant allele.
Comment: BS2, BP4

Labcorp Genetics (formerly Invitae), Labcorp
Classification: Likely benign for Wilms tumor 1. Last evaluated: 2025-07-21. Review status: criteria provided, single submitter. Criteria: Invitae Variant Classification Sherloc (09022015). Collection method: clinical testing. Allele origin: germline.

Women's Health and Genetics/Laboratory Corporation of America, LabCorp
Classification: Uncertain significance. Last evaluated: 2024-02-27. Review status: criteria provided, single submitter. Criteria: LabCorp Variant Classification Summary - May 2015. Collection method: clinical testing. Allele origin: germline.
Comment: Variant summary: GPC3 c.797A>G (p.Gln266Arg) results in a conservative amino acid change in the encoded protein sequence. Three of five in-silico tools predict a benign effect of the variant on protein function. The variant allele was found at a frequency of 3.3e-05 in 183133 control chromosomes, including 2 hemizygotes. The available data on variant occurrences in the general population are insufficient to allow any conclusion about variant significance. To our knowledge, no occurrence of c.797A>G in individuals affected with Simpson-Golabi-Behmel Syndrome, Type 1 and no experimental evidence demonstrating its impact on protein function have been reported. ClinVar contains an entry for this variant (Variation ID: 849942). Based on the evidence outlined above, the variant was classified as uncertain significance.

Sema4
Classification: Uncertain significance for Hereditary cancer-predisposing syndrome. Last evaluated: 2022-01-12. Review status: criteria provided, single submitter. Criteria: Sema4 Curation Guidelines. Collection method: curation. Allele origin: germline.
Comment: The GPC3 c.797A>G (p.Q266R) variant has not been reported in the literature to our knowledge. It was observed in 7/205111 chromosomes across the Genome Aggregation Database (PMID: 32461654). This variant has been reported in ClinVar (Variation ID 849942). Functional studies have not been performed, and in silico predictions of the variant's effect on protein function are inconclusive. The evidence is insufficient to meet ACMG/AMP criteria for classifying the variant as benign or pathogenic. Thus, the clinical significance of this variant is currently uncertain.

Ambry Genetics
Classification: Uncertain significance for Inborn genetic diseases. Last evaluated: 2021-05-27. Review status: criteria provided, single submitter. Criteria: Ambry Variant Classification Scheme 2023. Collection method: clinical testing. Allele origin: germline.

Baylor Genetics
Classification: Uncertain significance for Simpson-Golabi-Behmel syndrome type 1. Last evaluated: 2020-12-07. Review status: criteria provided, single submitter. Criteria: ACMG Guidelines, 2015. Collection method: clinical testing. Allele origin: maternal. Affected: yes. Study: CSER-TexasKidsCanSeq.
Comment: This variant was determined to be of uncertain significance according to ACMG Guidelines, 2015 [PMID:25741868].

NM_004484.4(GPC3):c.797A>G (p.Gln266Arg)

Gene: GPC3 (glypican 3; minus strand). Cytogenetic location: Xq26.2.
Variant type: single nucleotide variant.
Coding change: c.797A>G on transcript NM_004484.4 (MANE Select); coding-DNA position 797, A replaced by G.
Protein change: p.Gln266Arg; replaces glutamine 266 with arginine.
Molecular consequence: missense variant.
Genome position (GRCh38, 1-based): chrX:133,753,717, T>C on the plus strand (A>G on the coding strand, the complement: GPC3 is on the minus strand). VCF-style: chrX-133753717-T-C. GRCh37 (hg19) VCF-style: chrX-132887744-T-C.
Other names: p.Gln266Arg; c.797A>G, p.Gln266Arg (NM_001164617.2); c.749A>G, p.Gln250Arg (NM_001164618.2); c.635A>G, p.Gln212Arg (NM_001164619.2); short protein forms Q266R, Q212R, Q250R.
Identifiers: ClinVar variation 849942 (VCV000849942.16), dbSNP rs765072095, ClinGen allele CA10520795.
Genomic context (GRCh38, chrX:133,753,717, plus strand): 5'-ATACAGCCTTGCATGACCACATTGCAGTAACCGCCACAGGGTTTAACCATCATCAGTCCC[T>C]GGCAGTAAGAGCAGTACCACATTCTGGTGAGCATTCGGCCACAGTCCTTACTGAACTTCA-3'
Protein context (NP_004475.1, residues 256-276): LTRMWYCSYC[Gln266Arg]GLMMVKPCGG